The following is an entry in ClinVar:

NM_000921.5(PDE3A):c.2746T>A (p.Phe916Ile)

Gene: PDE3A (phosphodiesterase 3A; plus strand). Cytogenetic location: 12p12.2.
Variant type: single nucleotide variant.
Coding change: c.2746T>A on transcript NM_000921.5 (MANE Select); coding-DNA position 2746, T replaced by A.
Protein change: p.Phe916Ile; replaces phenylalanine 916 with isoleucine.
Molecular consequence: missense variant.
Genome position (GRCh38, 1-based): chr12:20,648,868, T>A. VCF-style: chr12-20648868-T-A. GRCh37 (hg19) VCF-style: chr12-20801802-T-A.
Other names: c.1780T>A, p.Phe594Ile (NM_001244683.2, NM_001378409.1); c.2440T>A, p.Phe814Ile (NM_001378407.1); c.1783T>A, p.Phe595Ile (NM_001378408.1); short protein forms F916I, F595I, F594I, F814I.
Identifiers: ClinVar variation 4769654 (VCV004769654.1).

ClinVar aggregate classification (germline): Uncertain significance (1 of 4 stars; one submission).

gnomAD v4.1: 16 of 1,612,542 alleles (0.00099%); highest among the groups gnomAD compares: Non-Finnish European, 0.00051%; no homozygotes.

Submission:

Labcorp Genetics (formerly Invitae), Labcorp
Classification: Uncertain significance. Last evaluated: 2025-10-03. Review status: criteria provided, single submitter. Criteria: Invitae Variant Classification Sherloc (09022015). Collection method: clinical testing. Allele origin: germline.
Comment: This sequence change replaces phenylalanine, which is neutral and non-polar, with isoleucine, which is neutral and non-polar, at codon 916 of the PDE3A protein (p.Phe916Ile). This variant is present in population databases (rs768468468, gnomAD 0.06%). This variant has not been reported in the literature in individuals affected with PDE3A-related conditions. An algorithm developed to predict the effect of missense changes on protein structure and function (PolyPhen-2) suggests that this variant is likely to be tolerated. In summary, the available evidence is currently insufficient to determine the role of this variant in disease. Therefore, it has been classified as a Variant of Uncertain Significance.